The following is an entry in ClinVar:

ClinVar aggregate classification (germline): Likely benign (1 of 4 stars; one submission).

gnomAD v4.1: 26 of 1,612,818 alleles (0.0016%); highest among the groups gnomAD compares: Non-Finnish European, 0.002%; no homozygotes.

Submission:

CeGaT Center for Human Genetics Tuebingen
Classification: Likely benign. Last evaluated: 2026-03-01. Review status: criteria provided, single submitter. Criteria: CeGaT Center For Human Genetics Tuebingen Variant Classification Criteria Version 2. Collection method: clinical testing. Allele origin: germline. Affected: yes. Observed: 1 variant allele.
Comment: NLGN2: BP4, BP7

NM_020795.4(NLGN2):c.450C>A (p.Thr150=)

Gene: NLGN2 (neuroligin 2; plus strand). Cytogenetic location: 17p13.1.
Variant type: single nucleotide variant.
Coding change: c.450C>A on transcript NM_020795.4 (MANE Select); coding-DNA position 450, C replaced by A.
Protein change: p.Thr150=; no amino-acid change (threonine 150 retained).
Molecular consequence: synonymous variant.
Genome position (GRCh38, 1-based): chr17:7,408,705, C>A. VCF-style: chr17-7408705-C-A. GRCh37 (hg19) VCF-style: chr17-7312024-C-A.
Identifiers: ClinVar variation 4822136 (VCV004822136.4).